The following is an entry in ClinVar:

ClinVar aggregate classification (germline): Conflicting classifications of pathogenicity. Review status: criteria provided, conflicting classifications (1 of 4 stars). 5 submissions from 5 submitters: Uncertain significance (1); Benign (1); Likely benign (3). Last evaluated 2026-01-27.

Conditions:
Renal tubular dysgenesis of genetic origin. Also called: PRIMITIVE RENAL TUBULE SYNDROME. Identifiers: Orphanet 97369, MedGen C5681536, MONDO:0009970, OMIM 267430.
Microvascular complications of diabetes, susceptibility to, 3. Identifiers: MedGen C2675470, MONDO:0012963, OMIM 612624.
Hemorrhage, intracerebral, susceptibility to (ICH). Also called: Stroke, hemorrhagic, susceptibility to. Identifiers: MedGen C3281105, MONDO:0100533, OMIM 614519.
Renal tubular dysgenesis. Also called: Renotubular dysgenesis. Identifiers: Orphanet 3033, MedGen C0266313, MONDO:0017609, HP:0008660.

Allele frequency attached by ClinVar (database versions not stated): gnomAD exomes 0.00009 and 0.00032; gnomAD 0.00011 and 0.00020; TOPMed 0.00017; ExAC 0.00029; 1000 Genomes Project 30x 0.00172; 1000 Genomes Project 0.00200.
gnomAD v4.1: 158 of 1,613,646 alleles (0.0098%); highest among the groups gnomAD compares: East Asian, 0.34%; no homozygotes.

Submissions (5):

Labcorp Genetics (formerly Invitae), Labcorp
Classification: Benign. Last evaluated: 2026-01-27. Review status: criteria provided, single submitter. Criteria: Invitae Variant Classification Sherloc (09022015). Collection method: clinical testing. Allele origin: germline.

Blueprint Genetics
Classification: Likely benign. Last evaluated: 2024-06-14. Review status: criteria provided, single submitter. Criteria: ACMG Guidelines, 2015. Collection method: clinical testing. Allele origin: germline.

GeneDx
Classification: Uncertain significance. Last evaluated: 2024-05-22. Review status: criteria provided, single submitter. Criteria: GeneDx Variant Classification Process June 2021. Collection method: clinical testing. Allele origin: germline. Affected: yes.
Comment: In silico analysis indicates that this variant does not alter splicing; Has not been previously published as pathogenic or benign to our knowledge

Fulgent Genetics
Classification: Likely benign for Renal tubular dysgenesis of genetic origin; Microvascular complications of diabetes, susceptibility to, 3; Hemorrhage, intracerebral, susceptibility to. Last evaluated: 2021-07-22. Review status: criteria provided, single submitter. Criteria: ACMG Guidelines, 2015. Collection method: clinical testing. Allele origin: unknown.

Illumina Laboratory Services, Illumina
Classification: Likely benign for Renal tubular dysgenesis of genetic origin. Last evaluated: 2018-01-13. Review status: criteria provided, single submitter. Criteria: ICSL Variant Classification Criteria 13 December 2019. Collection method: clinical testing. Allele origin: germline.
Comment: This variant was observed in the ICSL laboratory as part of a predisposition screen in an ostensibly healthy population. It had not been previously curated by ICSL or reported in the Human Gene Mutation Database (HGMD: prior to June 1st, 2018), and was therefore a candidate for classification through an automated scoring system. Utilizing variant allele frequency, disease prevalence and penetrance estimates, and inheritance mode, an automated score was calculated to assess if this variant is too frequent to cause the disease. Based on the score and internal cut-off values, a variant classified as likely benign is not then subjected to further curation. The score for this variant resulted in a classification of likely benign for this disease.

NM_000789.4(ACE):c.477C>T (p.Pro159=)

Gene: ACE (angiotensin I converting enzyme; plus strand). Cytogenetic location: 17q23.3.
Variant type: single nucleotide variant.
Coding change: c.477C>T on transcript NM_000789.4 (MANE Select); coding-DNA position 477, C replaced by T.
Protein change: p.Pro159=; no amino-acid change (proline 159 retained).
Molecular consequence: synonymous variant.
Genome position (GRCh38, 1-based): chr17:63,479,066, C>T. VCF-style: chr17-63479066-C-T. GRCh37 (hg19) VCF-style: chr17-61556427-C-T.
Identifiers: ClinVar variation 888747 (VCV000888747.10), dbSNP rs201285321, ClinGen allele CA8699086.